The following is an entry in ClinVar:

NM_000037.4(ANK1):c.2029C>T (p.Gln677Ter)

Gene: ANK1 (ankyrin 1; minus strand). Cytogenetic location: 8p11.21.
Variant type: single nucleotide variant.
Coding change: c.2029C>T on transcript NM_000037.4 (MANE Select); coding-DNA position 2029, C replaced by T.
Protein change: p.Gln677Ter; replaces glutamine 677 with a stop codon.
Molecular consequence: nonsense.
Genome position (GRCh38, 1-based): chr8:41,706,211, G>A on the plus strand (C>T on the coding strand, the complement: ANK1 is on the minus strand). VCF-style: chr8-41706211-G-A. GRCh37 (hg19) VCF-style: chr8-41563729-G-A.
Other names: c.2128C>T, p.Gln710Ter (NM_001142446.2); c.2029C>T, p.Gln677Ter (NM_020475.3, NM_020476.3, NM_020477.3); short protein forms Q677*, Q710*.
Identifiers: ClinVar variation 617979 (VCV000617979.12), dbSNP rs1563502820, ClinGen allele CA371067515.

ClinVar aggregate classification (germline): Pathogenic/Likely pathogenic. Review status: criteria provided, multiple submitters, no conflicts (2 of 4 stars). 3 submissions from 3 submitters: Pathogenic (2); Likely pathogenic (1). Last evaluated 2024-02-07.

Conditions:
Hereditary spherocytosis type 1. Also called: Spherocytosis type 1; ANK1-Related Spherocytosis. Identifiers: Orphanet 822, MedGen C2674218, MONDO:0008447, OMIM 182900.

Submissions (3):

Labcorp Genetics (formerly Invitae), Labcorp
Classification: Pathogenic. Last evaluated: 2024-02-07. Review status: criteria provided, single submitter. Criteria: Invitae Variant Classification Sherloc (09022015). Collection method: clinical testing. Allele origin: germline.
Comment: This sequence change creates a premature translational stop signal (p.Gln677*) in the ANK1 gene. It is expected to result in an absent or disrupted protein product. Loss-of-function variants in ANK1 are known to be pathogenic (PMID: 8640229). This variant is not present in population databases (gnomAD no frequency). This premature translational stop signal has been observed in individual(s) with hereditary spherocytosis (PMID: 31122244). ClinVar contains an entry for this variant (Variation ID: 617979). For these reasons, this variant has been classified as Pathogenic.

ARUP Laboratories, Molecular Genetics and Genomics, ARUP Laboratories
Classification: Pathogenic for Hereditary spherocytosis type 1. Last evaluated: 2018-09-25. Review status: criteria provided, single submitter. Criteria: ARUP Molecular Germline Variant Investigation Process. Collection method: clinical testing. Allele origin: germline.

Neuberg Centre For Genomic Medicine, NCGM
Classification: Likely pathogenic for Hereditary spherocytosis type 1. Review status: criteria provided, single submitter. Criteria: ACMG Guidelines, 2015. Collection method: clinical testing. Allele origin: germline. Inheritance: Autosomal dominant inheritance. Affected: yes.
Comment: The stop gained variant c.2029C>Tp.Gln677Ter in ANK1 gene has not been reported previously as a pathogenic variant nor as a benign variant, to our knowledge. The variant is novel not in any individuals in gnomAD Exomes and 1000 Genomes. This variant has been reported to the ClinVar database as Pathogenic. However, study on multiple affected individuals and functional impact of the variant is not available. This variant is predicted to cause loss of normal protein function through protein truncation. Loss of function variants have been previously reported to be disease causing Park J, et al., 2016. For these reasons, this variant has been classified as Likely Pathogenic.

Literature cited by the submitters: PubMed 8640229 (cited by Labcorp Genetics (formerly Invitae), Labcorp); PubMed 31122244 (cited by Labcorp Genetics (formerly Invitae), Labcorp).